The following is an entry in ClinVar:

NM_006567.5(FARS2):c.1066-247G>A

Gene: FARS2 (phenylalanyl-tRNA synthetase 2, mitochondrial; plus strand). Cytogenetic location: 6p25.1.
Variant type: single nucleotide variant.
Coding change: c.1066-247G>A on transcript NM_006567.5 (MANE Select); 247 bases into the intron before coding-DNA position 1066, G replaced by A.
Molecular consequence: intron variant.
Genome position (GRCh38, 1-based): chr6:5,612,922, G>A. VCF-style: chr6-5612922-G-A. GRCh37 (hg19) VCF-style: chr6-5613155-G-A.
Other names: c.1066-247G>A (NM_001374878.1, NM_001318872.2, NM_001374877.1 and 4 more transcripts); c.934-247G>A (NM_001375258.1); c.370-247G>A (NM_001375260.1, NM_001375259.1).
Identifiers: ClinVar variation 680680 (VCV000680680.1), dbSNP rs78830488, ClinGen allele CA16252716.

ClinVar aggregate classification (germline): Benign (1 of 4 stars; one submission).

Allele frequency attached by ClinVar (database versions not stated): 1000 Genomes Project 30x 0.02483; 1000 Genomes Project 0.02536; TOPMed 0.04956; gnomAD 0.05127 and 0.05224.
gnomAD v4.1: 7,797 of 152,086 alleles (5.1%); highest among the groups gnomAD compares: Non-Finnish European, 7.5%; 282 homozygotes.

Submission:

GeneDx
Classification: Benign. Last evaluated: 2018-06-16. Review status: criteria provided, single submitter. Criteria: GeneDx Variant Classification (06012015). Collection method: clinical testing. Allele origin: germline. Affected: yes.
Comment: This variant is considered likely benign or benign based on one or more of the following criteria: it is a conservative change, it occurs at a poorly conserved position in the protein, it is predicted to be benign by multiple in silico algorithms, and/or has population frequency not consistent with disease.